The following is an entry in ClinVar:

NM_004523.4(KIF11):c.1172_1178del (p.Ala391fs)

Gene: KIF11 (kinesin family member 11; plus strand). Cytogenetic location: 10q23.33.
Variant type: Deletion.
Coding change: c.1172_1178del on transcript NM_004523.4 (MANE Select); coding-DNA positions 1172 to 1178, 7 bases deleted (CAGCCCG; older notation c.1172_1178delCAGCCCG).
Protein change: p.Ala391fs; shifts the reading frame from alanine 391.
Molecular consequence: frameshift variant.
Genome position (GRCh38, 1-based): chr10:92,621,428-92,621,434, CAGCCCG deleted; deleting any 7 consecutive bases within chr10:92,621,427-92,621,434 gives the same sequence; the c. name uses the placement nearest the transcript's 3' end. VCF-style (leftmost placement, unchanged base first): chr10-92621426-TGCAGCCC-T. GRCh37 (hg19) VCF-style: chr10-94381183-TGCAGCCC-T.
Other names: short protein forms A391fs.
Identifiers: ClinVar variation 4850210 (VCV004850210.1).

ClinVar aggregate classification (germline): Pathogenic (1 of 4 stars; one submission).

Conditions:
Microcephaly with or without chorioretinopathy, lymphedema, or impaired intellectual development. Also called: MICROCEPHALY, LYMPHEDEMA, CHORIORETINAL DYSPLASIA SYNDROME; Microcephaly lymphedema chorioretinal dysplasia; MICROCEPHALY AND CHORIORETINOPATHY WITH OR WITHOUT MENTAL RETARDATION, AUTOSOMAL DOMINANT; Microcephaly with or without chorioretinopathy, lymphedema, or mental retardation; Microcephaly with or without chorioretinopathy, lymphedema, or intellectual disability. Identifiers: Orphanet 2526, MedGen C1835265, MONDO:0007918, OMIM 152950.

Submission:

Variantyx, Inc.
Classification: Pathogenic for Microcephaly with or without chorioretinopathy, lymphedema, or impaired intellectual development. Last evaluated: 2025-08-11. Review status: criteria provided, single submitter. Criteria: Variantyx Assertion Criteria 2022. Collection method: clinical testing. Allele origin: germline. Inheritance: Autosomal dominant inheritance. Affected: yes.
Comment: This is a frameshift variant in the KIF11 gene (OMIM: 148760). Pathogenic variants in this gene have been associated with autosomal dominant microcephaly with or without chorioretinopathy, lymphedema, or intellectual disability. This variant introduces a premature termination codon in exon 10 out of 22 and is expected to result in loss of function, which is a known disease mechanism for KIF11 in this disorder (PMID: 22284827, 22653704) (PVS1). This variant is absent from control populations (PM2) and it has not been reported in individuals with KIF11-related disorders in the databases available for review. Based on the current evidence, this variant is classified as pathogenic for autosomal dominant microcephaly with or without chorioretinopathy, lymphedema, or intellectual disability.

Literature cited by the submitters: PubMed 22284827; PubMed 22653704.